The following is an entry in ClinVar:

ClinVar aggregate classification (germline): Pathogenic. Review status: criteria provided, multiple submitters, no conflicts (2 of 4 stars). 4 submissions from 4 submitters: Pathogenic (4). Last evaluated 2023-09-14.

Conditions:
Familial cancer of breast. Also called: BREAST CANCER, FAMILIAL; Hereditary breast cancer; hereditary breast carcinoma. Identifiers: Orphanet 227535, MedGen C0346153, MONDO:0016419, OMIM 114480. Disease mechanism: loss of function.
Hereditary cancer-predisposing syndrome. Also called: Neoplastic Syndromes, Hereditary; Hereditary Cancer Syndrome; Tumor predisposition; Hereditary neoplastic syndrome. Identifiers: Orphanet 140162, MedGen C0027672, MeSH D009386, MONDO:0015356.

Submissions (4):

Myriad Genetics, Inc.
Classification: Pathogenic for Familial cancer of breast. Last evaluated: 2023-09-14. Review status: criteria provided, single submitter. Criteria: Myriad Autosomal Dominant, Autosomal Recessive and X-Linked Classification Criteria (2023). Collection method: clinical testing. Allele origin: unknown.
Comment: This variant is considered pathogenic. This variant creates a frameshift predicted to result in premature protein truncation.

Ambry Genetics
Classification: Pathogenic for Hereditary cancer-predisposing syndrome. Last evaluated: 2023-07-07. Review status: criteria provided, single submitter. Criteria: Ambry Variant Classification Scheme 2023. Collection method: clinical testing. Allele origin: germline.
Comment: The c.2850delC pathogenic mutation, located in coding exon 9 of the PALB2 gene, results from a deletion of one nucleotide at nucleotide position 2850, causing a translational frameshift with a predicted alternate stop codon (p.S951Lfs*11). This alteration was detected in multiple breast cancer and familial breast cancer cohorts (Damiola F et al. Breast Cancer Res. Treat., 2015 Dec;154:463-71; Sun J et al. Clin. Cancer Res., 2017 Oct;23:6113-6119; Wu Y et al. Breast Cancer Res. Treat., 2020 Feb;179:605-614). In addition to the clinical data presented in the literature, this alteration is expected to result in loss of function by premature protein truncation or nonsense-mediated mRNA decay. As such, this alteration is interpreted as a disease-causing mutation.

Labcorp Genetics (formerly Invitae), Labcorp
Classification: Pathogenic for Familial cancer of breast. Last evaluated: 2022-10-07. Review status: criteria provided, single submitter. Criteria: Invitae Variant Classification Sherloc (09022015). Collection method: clinical testing. Allele origin: germline.
Comment: For these reasons, this variant has been classified as Pathogenic. ClinVar contains an entry for this variant (Variation ID: 402303). This sequence change creates a premature translational stop signal (p.Ser951Leufs*11) in the PALB2 gene. It is expected to result in an absent or disrupted protein product. Loss-of-function variants in PALB2 are known to be pathogenic (PMID: 17200668, 17200671, 17200672, 24136930, 25099575). This variant is not present in population databases (gnomAD no frequency). This premature translational stop signal has been observed in individual(s) with breast cancer (PMID: 28724667, 30303537).

Quest Diagnostics Nichols Institute San Juan Capistrano
Classification: Pathogenic. Last evaluated: 2020-08-04. Review status: criteria provided, single submitter. Criteria: Quest Diagnostics criteria. Collection method: clinical testing. Allele origin: unknown.
Comment: The variant results in a shift of the reading frame, and is therefore predicted to result in the loss of a functional protein. Found in at least one patient with expected phenotype for this gene, and not found in general population data.

Literature cited by the submitters: PubMed 26564480 (cited by Ambry Genetics and Quest Diagnostics Nichols Institute San Juan Capistrano); PubMed 28724667 (cited by 3 submitters); PubMed 31768816 (cited by Ambry Genetics); PubMed 17200668 (cited by Labcorp Genetics (formerly Invitae), Labcorp); PubMed 17200671 (cited by Labcorp Genetics (formerly Invitae), Labcorp); PubMed 17200672 (cited by Labcorp Genetics (formerly Invitae), Labcorp); PubMed 24136930 (cited by Labcorp Genetics (formerly Invitae), Labcorp); PubMed 25099575 (cited by Labcorp Genetics (formerly Invitae), Labcorp); PubMed 30303537 (cited by Labcorp Genetics (formerly Invitae), Labcorp and Quest Diagnostics Nichols Institute San Juan Capistrano).

NM_024675.4(PALB2):c.2850del (p.Ser951fs)

Gene: PALB2 (partner and localizer of BRCA2; minus strand). Cytogenetic location: 16p12.2.
Variant type: Deletion.
Coding change: c.2850del on transcript NM_024675.4 (MANE Select); coding-DNA position 2850, one base deleted (C; older notation c.2850delC).
Protein change: p.Ser951fs; shifts the reading frame from serine 951.
Molecular consequence: frameshift variant.
Genome position (GRCh38, 1-based): chr16:23,623,115, G deleted on the plus strand (C on the coding strand, the reverse complement: PALB2 is on the minus strand); the first of 2 consecutive G bases (chr16:23,623,115-23,623,116); deleting either gives the same sequence. VCF-style (leftmost placement, unchanged base first): chr16-23623114-AG-A. GRCh37 (hg19) VCF-style: chr16-23634435-AG-A.
Other names: c.2850delC (NM_024675.3); short protein forms S951fs.
Identifiers: ClinVar variation 402303 (VCV000402303.17), dbSNP rs1060499824, ClinGen allele CA16609591.